The following is an entry in ClinVar:

ClinVar aggregate classification (germline): Uncertain significance (1 of 4 stars; one submission).

Conditions:
Familial adenomatous polyposis 1 (FAP1). Also called: FAMILIAL ADENOMATOUS POLYPOSIS 1, ATTENUATED; POLYPOSIS, ADENOMATOUS INTESTINAL. Identifiers: MedGen C2713442, MONDO:0021056, OMIM 175100. Disease mechanism: loss of function.

Submission:

Labcorp Genetics (formerly Invitae), Labcorp
Classification: Uncertain significance for Familial adenomatous polyposis 1. Last evaluated: 2025-07-07. Review status: criteria provided, single submitter. Criteria: Invitae Variant Classification Sherloc (09022015). Collection method: clinical testing. Allele origin: germline.
Comment: This variant occurs in a non-coding region of the APC gene. It does not change the encoded amino acid sequence of the APC protein. This variant is not present in population databases (gnomAD no frequency). This variant has not been reported in the literature in individuals affected with APC-related conditions. ClinVar contains an entry for this variant (Variation ID: 645275). Experimental studies and prediction algorithms are not available or were not evaluated, and the functional significance of this variant is currently unknown. In summary, the available evidence is currently insufficient to determine the role of this variant in disease. Therefore, it has been classified as a Variant of Uncertain Significance.

NC_000005.10:g.112707440C>A

Gene: APC (APC regulator of Wnt signaling pathway; plus strand). Cytogenetic location: 5q22.2.
Variant type: single nucleotide variant.
Genome position: GRCh38 VCF-style: chr5-112707440-C-A. GRCh37 (hg19) VCF-style: chr5-112043137-C-A.
Identifiers: ClinVar variation 645275 (VCV000645275.9), dbSNP rs968227350, ClinGen allele CA124924667.